The following is an entry in ClinVar:

NM_001098.3(ACO2):c.684+14_684+56del

Gene: ACO2 (aconitase 2; plus strand). Cytogenetic location: 22q13.2.
Variant type: Deletion.
Coding change: c.684+14_684+56del on transcript NM_001098.3 (MANE Select); bases 14 to 56 of the intron after coding-DNA position 684, 43 bases deleted.
Molecular consequence: intron variant.
Genome position (GRCh38, 1-based): chr22:41,515,549-41,515,591, 43 bases deleted; deleting any 43 consecutive bases within chr22:41,515,541-41,515,591 gives the same sequence; the c. name uses the placement nearest the transcript's 3' end. GRCh37 (hg19): chr22:41,911,553-41,911,595.
Identifiers: ClinVar variation 2770345 (VCV002770345.3), dbSNP rs2518222417, ClinGen allele CA2697552809.

ClinVar aggregate classification (germline): Uncertain significance (1 of 4 stars; one submission).

Submission:

Labcorp Genetics (formerly Invitae), Labcorp
Classification: Uncertain significance. Last evaluated: 2023-10-20. Review status: criteria provided, single submitter. Criteria: Invitae Variant Classification Sherloc (09022015). Collection method: clinical testing. Allele origin: germline.
Comment: This sequence change falls in intron 5 of the ACO2 gene. It does not directly change the encoded amino acid sequence of the ACO2 protein. This variant is not present in population databases (gnomAD no frequency). This variant has not been reported in the literature in individuals affected with ACO2-related conditions. Experimental studies and prediction algorithms are not available or were not evaluated, and the effect of this variant on mRNA splicing is currently unknown. In summary, the available evidence is currently insufficient to determine the role of this variant in disease. Therefore, it has been classified as a Variant of Uncertain Significance.